The following is an entry in ClinVar:

NM_001206927.2(DNAH8):c.7996C>T (p.His2666Tyr)

Gene: DNAH8 (dynein axonemal heavy chain 8; plus strand). Cytogenetic location: 6p21.2.
Variant type: single nucleotide variant.
Coding change: c.7996C>T on transcript NM_001206927.2 (MANE Select); coding-DNA position 7996, C replaced by T.
Protein change: p.His2666Tyr; replaces histidine 2666 with tyrosine.
Molecular consequence: missense variant.
Genome position (GRCh38, 1-based): chr6:38,883,047, C>T. VCF-style: chr6-38883047-C-T. GRCh37 (hg19) VCF-style: chr6-38850823-C-T.
Other names: c.7345C>T, p.His2449Tyr (NM_001371.4); c.7996C>T (NM_001206927.1); short protein forms H2666Y, H2449Y.
Identifiers: ClinVar variation 2147009 (VCV002147009.3), dbSNP rs1348383754, ClinGen allele CA363991506.

ClinVar aggregate classification (germline): Conflicting classifications of pathogenicity. Review status: criteria provided, conflicting classifications (1 of 4 stars). 3 submissions from 3 submitters: Uncertain significance (1); Likely benign (2). Last evaluated 2025-06-18.

Conditions:
Primary ciliary dyskinesia. Also called: Ciliary dyskinesia. Identifiers: Orphanet 244, MedGen C0008780, MONDO:0016575, HP:0012265.

Allele frequency attached by ClinVar (database versions not stated): gnomAD exomes below 0.00001.
gnomAD v4.1: 2 of 1,588,412 alleles (0.00013%); highest among the groups gnomAD compares: Non-Finnish European, 0.000085%; no homozygotes.

Submissions (3):

Ambry Genetics
Classification: Likely benign. Last evaluated: 2025-06-18. Review status: criteria provided, single submitter. Criteria: Ambry Variant Classification Scheme 2023. Collection method: clinical testing. Allele origin: germline.

Blueprint Genetics
Classification: Likely benign. Last evaluated: 2024-11-26. Review status: criteria provided, single submitter. Criteria: ACMG Guidelines, 2015. Collection method: clinical testing. Allele origin: germline.

Labcorp Genetics (formerly Invitae), Labcorp
Classification: Uncertain significance for Primary ciliary dyskinesia. Last evaluated: 2022-04-01. Review status: criteria provided, single submitter. Criteria: Invitae Variant Classification Sherloc (09022015). Collection method: clinical testing. Allele origin: germline.
Comment: This sequence change replaces histidine, which is basic and polar, with tyrosine, which is neutral and polar, at codon 2666 of the DNAH8 protein (p.His2666Tyr). This variant is not present in population databases (gnomAD no frequency). This variant has not been reported in the literature in individuals affected with DNAH8-related conditions. Algorithms developed to predict the effect of missense changes on protein structure and function output the following: SIFT: "Tolerated"; PolyPhen-2: "Not Available"; Align-GVGD: "Class C0". The tyrosine amino acid residue is found in multiple mammalian species, which suggests that this missense change does not adversely affect protein function. In summary, the available evidence is currently insufficient to determine the role of this variant in disease. Therefore, it has been classified as a Variant of Uncertain Significance.